The following is an entry in ClinVar:

NM_004444.5(EPHB4):c.2118+1G>T

Gene: EPHB4 (EPH receptor B4; minus strand). Cytogenetic location: 7q22.1.
Variant type: single nucleotide variant.
Coding change: c.2118+1G>T on transcript NM_004444.5 (MANE Select); the canonical splice donor site of the intron after coding-DNA position 2118, G replaced by T.
Molecular consequence: splice donor variant.
Genome position (GRCh38, 1-based): chr7:100,812,746, C>A on the plus strand (G>T on the coding strand, the complement: EPHB4 is on the minus strand). VCF-style: chr7-100812746-C-A. GRCh37 (hg19) VCF-style: chr7-100410368-C-A.
Identifiers: ClinVar variation 3672545 (VCV003672545.2).
Genomic context (GRCh38, chr7:100,812,746, plus strand): 5'-AGTGGCCTCTGGGTGTAAGTGGGAACTCCGGGTGGCCGCAGAAGCCAGGGAGGGTGCTCA[C>A]CCGCAGGAAGGAGTCCAGGGCGCCGTTCTCCATGAACTCTGTGAGAATCATGACGGGCAT-3'

ClinVar aggregate classification (germline): Likely pathogenic (1 of 4 stars; one submission).

Submission:

Labcorp Genetics (formerly Invitae), Labcorp
Classification: Likely pathogenic. Last evaluated: 2024-02-02. Review status: criteria provided, single submitter. Criteria: Invitae Variant Classification Sherloc (09022015). Collection method: clinical testing. Allele origin: germline.
Comment: This sequence change affects a donor splice site in intron 12 of the EPHB4 gene. It is expected to disrupt RNA splicing. Variants that disrupt the donor or acceptor splice site typically lead to a loss of protein function (PMID: 16199547), and loss-of-function variants in EPHB4 are known to be pathogenic (PMID: 28687708). This variant is not present in population databases (gnomAD no frequency). This variant has not been reported in the literature in individuals affected with EPHB4-related conditions. Algorithms developed to predict the effect of sequence changes on RNA splicing suggest that this variant may disrupt the consensus splice site. In summary, the currently available evidence indicates that the variant is pathogenic, but additional data are needed to prove that conclusively. Therefore, this variant has been classified as Likely Pathogenic.

Literature cited by the submitters: PubMed 16199547; PubMed 28687708.